The following is an entry in ClinVar:

ClinVar aggregate classification (germline): Uncertain significance (1 of 4 stars; one submission).

Conditions:
Hereditary cancer-predisposing syndrome. Also called: Neoplastic Syndromes, Hereditary; Tumor predisposition; Hereditary Cancer Syndrome; Hereditary neoplastic syndrome. Identifiers: Orphanet 140162, MedGen C0027672, MeSH D009386, MONDO:0015356.

Submission:

Ambry Genetics
Classification: Uncertain significance for Hereditary cancer-predisposing syndrome. Last evaluated: 2026-06-04. Review status: criteria provided, single submitter. Criteria: Ambry Variant Classification Scheme 2023. Collection method: clinical testing. Allele origin: germline.
Comment: The p.D243Y variant (also known as c.727G>T), located in coding exon 7 of the EPCAM gene, results from a G to T substitution at nucleotide position 727. The aspartic acid at codon 243 is replaced by tyrosine, an amino acid with highly dissimilar properties. This amino acid position is conserved. In addition, this alteration is predicted to be deleterious by in silico analysis. Based on the available evidence, the clinical significance of this variant remains unclear.

NM_002354.3(EPCAM):c.727G>T (p.Asp243Tyr)

Gene: EPCAM (epithelial cell adhesion molecule; plus strand). Cytogenetic location: 2p21.
Variant type: single nucleotide variant.
Coding change: c.727G>T on transcript NM_002354.3 (MANE Select); coding-DNA position 727, G replaced by T.
Protein change: p.Asp243Tyr; replaces aspartic acid 243 with tyrosine.
Molecular consequence: missense variant.
Genome position (GRCh38, 1-based): chr2:47,379,838, G>T. VCF-style: chr2-47379838-G-T. GRCh37 (hg19) VCF-style: chr2-47606977-G-T.
Other names: short protein forms D243Y.
Identifiers: ClinVar variation 4870528 (VCV004870528.1).
Genomic context (GRCh38, chr2:47,379,838, plus strand): 5'-GAATCCTTGTTTCATTCTAAGAAAATGGACCTGACAGTAAATGGGGAACAACTGGATCTG[G>T]ATCCTGGTCAAACTTTAATTTATTATGTTGATGAAAAAGCACCTGAATTCTCAATGCAGG-3'
Protein context (NP_002345.2, residues 233-253): LTVNGEQLDL[Asp243Tyr]PGQTLIYYVD